The following is an entry in ClinVar:

NM_002474.3(MYH11):c.196G>A (p.Gly66Ser)

Gene: MYH11 (myosin heavy chain 11; minus strand). Cytogenetic location: 16p13.11.
Variant type: single nucleotide variant.
Coding change: c.196G>A on transcript NM_002474.3 (MANE Select); coding-DNA position 196, G replaced by A.
Protein change: p.Gly66Ser; replaces glycine 66 with serine.
Molecular consequence: missense variant.
Genome position (GRCh38, 1-based): chr16:15,838,057, C>T on the plus strand (G>A on the coding strand, the complement: MYH11 is on the minus strand). VCF-style: chr16-15838057-C-T. GRCh37 (hg19) VCF-style: chr16-15931914-C-T.
Other names: c.196G>A, p.Gly66Ser (NM_001040113.2, NM_001040114.2, NM_022844.3); short protein forms G66S.
Identifiers: ClinVar variation 3679532 (VCV003679532.2).
Genomic context (GRCh38, chr16:15,838,057, plus strand): 5'-TGGAGAACTTGGGTGGGTTCATCTTCTGGATGTCATCTTTCCCAACCGTGACCTTCTTGC[C>T]ATTCTCCACCAGCTCCACAACCACCTCATCCCCCTTCTCCTCCTTAATGCTGGCTGCCTC-3'
Protein context (NP_002465.1, residues 56-76): DEVVVELVEN[Gly66Ser]KKVTVGKDDI

ClinVar aggregate classification (germline): Uncertain significance (1 of 4 stars; one submission).

Conditions:
Aortic aneurysm, familial thoracic 4 (AAT4). Also called: AORTIC ANEURYSM/AORTIC DISSECTION AND PATENT DUCTUS ARTERIOSUS. Identifiers: MedGen C1851504, MONDO:0007568, OMIM 132900.

Submission:

Labcorp Genetics (formerly Invitae), Labcorp
Classification: Uncertain significance for Aortic aneurysm, familial thoracic 4. Last evaluated: 2025-01-23. Review status: criteria provided, single submitter. Criteria: Invitae Variant Classification Sherloc (09022015). Collection method: clinical testing. Allele origin: germline.
Comment: This sequence change replaces glycine, which is neutral and non-polar, with serine, which is neutral and polar, at codon 66 of the MYH11 protein (p.Gly66Ser). This variant is not present in population databases (gnomAD no frequency). This variant has not been reported in the literature in individuals affected with MYH11-related conditions. Invitae Evidence Modeling of protein sequence and biophysical properties (such as structural, functional, and spatial information, amino acid conservation, physicochemical variation, residue mobility, and thermodynamic stability) indicates that this missense variant is not expected to disrupt MYH11 protein function with a negative predictive value of 95%. In summary, the available evidence is currently insufficient to determine the role of this variant in disease. Therefore, it has been classified as a Variant of Uncertain Significance.